The following is an entry in ClinVar:

NM_001174084.2(POLL):c.1491C>A (p.Ser497Arg)

Gene: POLL (DNA polymerase lambda; minus strand). Cytogenetic location: 10q24.32.
Variant type: single nucleotide variant.
Coding change: c.1491C>A on transcript NM_001174084.2 (MANE Select); coding-DNA position 1491, C replaced by A.
Protein change: p.Ser497Arg; replaces serine 497 with arginine.
Molecular consequence: missense variant. On other transcripts: non-coding transcript variant (1).
Genome position (GRCh38, 1-based): chr10:101,579,690, G>T on the plus strand (C>A on the coding strand, the complement: POLL is on the minus strand). VCF-style: chr10-101579690-G-T. GRCh37 (hg19) VCF-style: chr10-103339447-G-T.
Other names: c.1215C>A, p.Ser405Arg (NM_001174085.2); c.666C>A, p.Ser222Arg (NM_001308382.2); c.1491C>A, p.Ser497Arg (NM_013274.4); short protein forms S222R, S405R, S497R.
Identifiers: ClinVar variation 3051843 (VCV003051843.2), dbSNP rs145961723, ClinGen allele CA5656373.

ClinVar aggregate classification (germline): Likely benign (0 of 4 stars; one submission).

Conditions:
POLL-related disorder. Also called: POLL-related condition.

Allele frequency attached by ClinVar (database versions not stated): ESP Exome Variant Server 0.00108; 1000 Genomes Project 0.00120; 1000 Genomes Project 30x 0.00125.

Submission:

PreventionGenetics, part of Exact Sciences
Classification: Likely benign for POLL-related condition. Last evaluated: 2022-02-10. Review status: no assertion criteria provided. Collection method: clinical testing. Allele origin: germline.
Comment: This variant is classified as likely benign based on ACMG/AMP sequence variant interpretation guidelines (Richards et al. 2015 PMID: 25741868, with internal and published modifications).